The following is an entry in ClinVar:

NM_153603.4(COG7):c.567T>C (p.Ser189=)

Gene: COG7 (component of oligomeric golgi complex 7; minus strand). Cytogenetic location: 16p12.2.
Variant type: single nucleotide variant.
Coding change: c.567T>C on transcript NM_153603.4 (MANE Select); coding-DNA position 567, T replaced by C.
Protein change: p.Ser189=; no amino-acid change (serine 189 retained).
Molecular consequence: synonymous variant.
Genome position (GRCh38, 1-based): chr16:23,442,514, A>G on the plus strand (T>C on the coding strand, the complement: COG7 is on the minus strand). VCF-style: chr16-23442514-A-G. GRCh37 (hg19) VCF-style: chr16-23453835-A-G.
Identifiers: ClinVar variation 681936 (VCV000681936.16), dbSNP rs115543944, ClinGen allele CA7961276.

ClinVar aggregate classification (germline): Likely benign. Review status: criteria provided, multiple submitters, no conflicts (2 of 4 stars). 6 submissions from 6 submitters: Likely benign (6). Last evaluated 2026-03-25.

Conditions:
COG7 congenital disorder of glycosylation (CDG2E). Also called: CDG IIe; CONGENITAL DISORDER OF GLYCOSYLATION, TYPE IIe. Identifiers: Orphanet 79333, MedGen C2931010, MONDO:0012118, OMIM 608779.
COG7-related disorder. Also called: COG7-related condition.

Allele frequency attached by ClinVar (database versions not stated): gnomAD exomes 0.00007 and 0.00019; ExAC 0.00021; 1000 Genomes Project 0.00040; 1000 Genomes Project 30x 0.00047; ESP Exome Variant Server 0.00092; gnomAD 0.00097 and 0.00101; TOPMed 0.00099.
gnomAD v4.1: 248 of 1,614,112 alleles (0.015%); highest among the groups gnomAD compares: African/African-American, 0.3%; no homozygotes.

Submissions (6):

PreventionGenetics, part of Exact Sciences
Classification: Likely benign for COG7-related condition. Last evaluated: 2026-03-25. Review status: criteria provided, single submitter. Criteria: ACMG Guidelines, 2015. Collection method: clinical testing. Allele origin: germline.
Comment: This variant is classified as likely benign based on ACMG/AMP sequence variant interpretation guidelines (Richards et al. 2015 PMID: 25741868, with internal and published modifications).

Labcorp Genetics (formerly Invitae), Labcorp
Classification: Likely benign for COG7 congenital disorder of glycosylation. Last evaluated: 2025-12-28. Review status: criteria provided, single submitter. Criteria: Invitae Variant Classification Sherloc (09022015). Collection method: clinical testing. Allele origin: germline.

Women's Health and Genetics/Laboratory Corporation of America, LabCorp
Classification: Likely benign. Last evaluated: 2025-06-10. Review status: criteria provided, single submitter. Criteria: LabCorp Variant Classification Summary - May 2015. Collection method: clinical testing. Allele origin: germline.

Blueprint Genetics
Classification: Likely benign. Last evaluated: 2024-01-16. Review status: criteria provided, single submitter. Criteria: ACMG Guidelines, 2015. Collection method: clinical testing. Allele origin: germline.

Fulgent Genetics
Classification: Likely benign for COG7 congenital disorder of glycosylation. Last evaluated: 2022-01-24. Review status: criteria provided, single submitter. Criteria: ACMG Guidelines, 2015. Collection method: clinical testing. Allele origin: unknown.

GeneDx
Classification: Likely benign. Last evaluated: 2018-04-27. Review status: criteria provided, single submitter. Criteria: GeneDx Variant Classification (06012015). Collection method: clinical testing. Allele origin: germline. Affected: yes.
Comment: This variant is considered likely benign or benign based on one or more of the following criteria: it is a conservative change, it occurs at a poorly conserved position in the protein, it is predicted to be benign by multiple in silico algorithms, and/or has population frequency not consistent with disease.